The following is an entry in ClinVar:

NM_003000.3(SDHB):c.65G>C (p.Cys22Ser)

Genes: SDHB (succinate dehydrogenase complex iron sulfur subunit B; minus strand), LOC129929542 (ATAC-STARR-seq lymphoblastoid active region 277; plus strand). Cytogenetic location: 1p36.13.
Variant type: single nucleotide variant.
Coding change: c.65G>C on transcript NM_003000.3 (MANE Select); coding-DNA position 65, G replaced by C.
Protein change: p.Cys22Ser; replaces cysteine 22 with serine.
Molecular consequence: missense variant.
Genome position (GRCh38, 1-based): chr1:17,053,955, C>G on the plus strand (G>C on the coding strand, the complement: SDHB is on the minus strand). VCF-style: chr1-17053955-C-G. GRCh37 (hg19) VCF-style: chr1-17380450-C-G.
Other names: short protein forms C22S.
Identifiers: ClinVar variation 220915 (VCV000220915.49), dbSNP rs141230910, ClinGen allele CA089705.

ClinVar aggregate classification (germline): Conflicting classifications of pathogenicity. Review status: criteria provided, conflicting classifications (1 of 4 stars). 12 submissions from 11 submitters: Uncertain significance (4); Benign (2); Likely benign (6). Last evaluated 2026-01-28.

Conditions:
SDHB-related disorder. Also called: SDHB-related condition; SDHB-related disorders. Identifiers: MedGen CN239418.
Gastrointestinal stromal tumor. Also called: Gastrointestinal stromal tumor, somatic; Gastrointestinal stroma tumor. Identifiers: Orphanet 44890, MedGen C0238198, MeSH D046152, MONDO:0011719, OMIM 606764, HP:0100723.
Cowden syndrome (CS). Also called: Cowden's disease; Cowden's syndrome; Cowden disease. Identifiers: Orphanet 201, MedGen C0018553, MONDO:0016063. Disease mechanism: gain of function.
Pheochromocytoma/paraganglioma syndrome 4. Also called: CAROTID BODY TUMORS AND MULTIPLE EXTRAADRENAL PHEOCHROMOCYTOMAS; SDHB-Related Hereditary Paraganglioma-Pheochromocytoma Syndrome (Paragangliomas 4); SDHB-Related Hereditary Paraganglioma-Pheochromocytoma Syndrome; PARAGANGLIOMA, FAMILIAL MALIGNANT; PARAGANGLIOMAS, HEREDITARY EXTRAADRENAL; PHEOCHROMOCYTOMA, FAMILIAL EXTRAADRENAL. Identifiers: Orphanet 29072, MedGen C1861848, MONDO:0007273, OMIM 115310.
Pheochromocytoma. Also called: MAX-Related Hereditary Paraganglioma-Pheochromocytoma Syndrome. Identifiers: Orphanet 29072, MedGen C0031511, MONDO:0008233, OMIM 171300, HP:0002666.
Hereditary cancer-predisposing syndrome. Also called: Neoplastic Syndromes, Hereditary; Tumor predisposition; Hereditary Cancer Syndrome; Hereditary neoplastic syndrome. Identifiers: Orphanet 140162, MedGen C0027672, MeSH D009386, MONDO:0015356.
Hereditary pheochromocytoma and paraganglioma. Also called: Hereditary Paraganglioma-Pheochromocytoma Syndromes; Hereditary pheochromocytoma-paraganglioma; Hereditary paragangliomas and pheochromocytomas. Identifiers: Orphanet 29072, MedGen C4274332, MONDO:0017366.
Carney-Stratakis syndrome. Also called: PARAGANGLIOMA AND GASTROINTESTINAL STROMAL TUMOR. Identifiers: Orphanet 97286, MedGen C1847319, MONDO:0011740, OMIM 606864.

Allele frequency attached by ClinVar (database versions not stated): 1000 Genomes Project 30x 0.00031; TOPMed 0.00049; ESP Exome Variant Server 0.00054; gnomAD 0.00057.

Submissions (12):

Labcorp Genetics (formerly Invitae), Labcorp
Classification: Likely benign for Gastrointestinal stromal tumor; Pheochromocytoma/paraganglioma syndrome 4; Pheochromocytoma. Last evaluated: 2026-01-28. Review status: criteria provided, single submitter. Criteria: Invitae Variant Classification Sherloc (09022015). Collection method: clinical testing. Allele origin: germline.

Center for Genomic Medicine, Rigshospitalet, Copenhagen University Hospital
Classification: Uncertain significance. Last evaluated: 2025-12-29. Review status: criteria provided, single submitter. Criteria: ACMG Guidelines, 2015. Collection method: clinical testing. Allele origin: germline.

GeneDx
Classification: Uncertain significance. Last evaluated: 2025-06-27. Review status: criteria provided, single submitter. Criteria: GeneDx Variant Classification Process June 2021. Collection method: clinical testing. Allele origin: germline. Affected: yes.
Comment: In silico analysis suggests that this missense variant does not alter protein structure/function; This variant is associated with the following publications: (PMID: 29386252, 26273102, 17376234, 25801821, 30171174)

PreventionGenetics, part of Exact Sciences
Classification: Likely benign for SDHB-related condition. Last evaluated: 2025-06-16. Review status: criteria provided, single submitter. Criteria: ACMG Guidelines, 2015. Collection method: clinical testing. Allele origin: germline.
Comment: This variant is classified as likely benign based on ACMG/AMP sequence variant interpretation guidelines (Richards et al. 2015 PMID: 25741868, with internal and published modifications).

Dasa
Classification: Likely benign. Last evaluated: 2025-02-25. Review status: criteria provided, single submitter. Criteria: DASA Assertion Criteria. Collection method: clinical testing. Allele origin: germline.
Comment: NM_003000.3(SDHB):c.65G>C (p.Cys22Ser) is a missense variant that results in the substitution of cysteine with serine. Population frequency is inconsistent with a disease-causing role for this variant. Computational prediction algorithms are consistent with a benign effect. Therefore, based on the currently available evidence, this variant is classified as likely benign.

Department of Pathology and Laboratory Medicine, Sinai Health System
Classification: Uncertain significance for Cowden syndrome; Gastrointestinal stromal tumor. Last evaluated: 2023-11-10. Review status: criteria provided, single submitter. Criteria: ACMG Guidelines, 2015. Collection method: clinical testing. Allele origin: germline. Affected: yes.

Color Diagnostics, LLC DBA Color Health
Classification: Likely benign for Hereditary pheochromocytoma and paraganglioma. Last evaluated: 2022-12-15. Review status: criteria provided, single submitter. Criteria: ACMG Guidelines, 2015. Collection method: clinical testing. Allele origin: germline.

Sema4
Classification: Likely benign for Hereditary cancer-predisposing syndrome. Last evaluated: 2021-09-02. Review status: criteria provided, single submitter. Criteria: Sema4 Curation Guidelines. Collection method: curation. Allele origin: germline.

Ambry Genetics
Classification: Likely benign for Hereditary cancer-predisposing syndrome. Last evaluated: 2018-08-24. Review status: criteria provided, single submitter. Criteria: Ambry Variant Classification Scheme 2023. Collection method: clinical testing. Allele origin: germline.

Illumina Laboratory Services, Illumina
Classification: Benign for Carney-Stratakis syndrome. Last evaluated: 2018-01-12. Review status: criteria provided, single submitter. Criteria: ICSL Variant Classification Criteria 13 December 2019. Collection method: clinical testing. Allele origin: germline.
Comment: This variant was observed in the ICSL laboratory as part of a predisposition screen in an ostensibly healthy population. It had not been previously curated by ICSL or reported in the Human Gene Mutation Database (HGMD: prior to June 1st, 2018), and was therefore a candidate for classification through an automated scoring system. Utilizing variant allele frequency, disease prevalence and penetrance estimates, and inheritance mode, an automated score was calculated to assess if this variant is too frequent to cause the disease. Based on the score and internal cut-off values, a variant classified as benign is not then subjected to further curation. The score for this variant resulted in a classification of benign for this disease.

Illumina Laboratory Services, Illumina
Classification: Benign for Hereditary Paraganglioma-Pheochromocytoma Syndromes. Last evaluated: 2018-01-12. Review status: criteria provided, single submitter. Criteria: ICSL Variant Classification Criteria 13 December 2019. Collection method: clinical testing. Allele origin: germline.
Comment: the same text as in the submission from Illumina Laboratory Services, Illumina above.

Eurofins Ntd Llc (ga)
Classification: Uncertain significance. Last evaluated: 2016-10-24. Review status: criteria provided, single submitter. Criteria: EGL Classification Definitions 2015. Collection method: clinical testing. Allele origin: germline. Observed: 2 variant alleles, 2 heterozygotes.

Literature cited by the submitters: PubMed 17376234 (cited by Ambry Genetics).